The following is an entry in ClinVar:

NM_001289129.2(TUBB4A):c.-75G>C

Gene: TUBB4A (tubulin beta 4A class IVa; minus strand). Cytogenetic location: 19p13.3.
Variant type: single nucleotide variant.
Coding change: c.-75G>C on transcript NM_001289129.2; 75 bases upstream of the start codon, G replaced by C.
Molecular consequence: 5 prime UTR variant. On other transcripts: missense variant (2).
Genome position (GRCh38, 1-based): chr19:6,502,703, C>G on the plus strand (G>C on the coding strand, the complement: TUBB4A is on the minus strand). VCF-style: chr19-6502703-C-G. GRCh37 (hg19) VCF-style: chr19-6502714-C-G.
Other names: c.9G>C, p.Arg3Ser (NM_001289123.2, NM_001289127.2); short protein forms R3S.
Identifiers: ClinVar variation 2498749 (VCV002498749.25), dbSNP rs1280478008, ClinGen allele CA403596030.

ClinVar aggregate classification (germline): Uncertain significance (1 of 4 stars; one submission).

Submission:

CeGaT Center for Human Genetics Tuebingen
Classification: Uncertain significance. Last evaluated: 2023-02-01. Review status: criteria provided, single submitter. Criteria: CeGaT Center For Human Genetics Tuebingen Variant Classification Criteria Version 2. Collection method: clinical testing. Allele origin: germline. Affected: yes. Observed: 1 variant allele.
Comment: TUBB4A: PM2:Supporting, PP2, PP4